The following is an entry in ClinVar:

ClinVar aggregate classification (germline): Likely benign. Review status: criteria provided, multiple submitters, no conflicts (2 of 4 stars). 3 submissions from 3 submitters: Likely benign (3). Last evaluated 2024-05-30.

Conditions:
Inborn genetic diseases. Identifiers: MedGen C0950123, MeSH D030342.
Infantile-onset X-linked spinal muscular atrophy. Also called: AMC, DISTAL, X-LINKED; ARTHROGRYPOSIS, X-LINKED, TYPE I; Spinal muscular atrophy, X-linked 2; Spinal Muscular Atrophy, X-Linked Infantile; SPINAL MUSCULAR ATROPHY, X-LINKED LETHAL INFANTILE. Identifiers: Orphanet 1145, MedGen C1844934, MONDO:0010532, OMIM 301830.

Allele frequency attached by ClinVar (database versions not stated): gnomAD exomes 0.00001; ExAC 0.00002; gnomAD 0.00002.
gnomAD v4.1: 6 of 1,206,756 alleles (0.0005%); highest among the groups gnomAD compares: Admixed American, 0.0022%; no homozygotes.

Submissions (3):

Labcorp Genetics (formerly Invitae), Labcorp
Classification: Likely benign for Infantile-onset X-linked spinal muscular atrophy. Last evaluated: 2024-05-30. Review status: criteria provided, single submitter. Criteria: Invitae Variant Classification Sherloc (09022015). Collection method: clinical testing. Allele origin: germline.

Ambry Genetics
Classification: Likely benign for Inborn genetic diseases. Last evaluated: 2019-07-11. Review status: criteria provided, single submitter. Criteria: Ambry Variant Classification Scheme 2023. Collection method: clinical testing. Allele origin: germline.

GeneDx
Classification: Likely benign. Last evaluated: 2017-09-07. Review status: criteria provided, single submitter. Criteria: GeneDx Variant Classification (06012015). Collection method: clinical testing. Allele origin: germline. Affected: yes.
Comment: This variant is considered likely benign or benign based on one or more of the following criteria: it is a conservative change, it occurs at a poorly conserved position in the protein, it is predicted to be benign by multiple in silico algorithms, and/or has population frequency not consistent with disease.

NM_003334.4(UBA1):c.819T>C (p.Tyr273=)

Gene: UBA1 (ubiquitin like modifier activating enzyme 1; plus strand). Cytogenetic location: Xp11.3.
Variant type: single nucleotide variant.
Coding change: c.819T>C on transcript NM_003334.4 (MANE Select); coding-DNA position 819, T replaced by C.
Protein change: p.Tyr273=; no amino-acid change (tyrosine 273 retained).
Molecular consequence: synonymous variant.
Genome position (GRCh38, 1-based): chrX:47,202,163, T>C. VCF-style: chrX-47202163-T-C. GRCh37 (hg19) VCF-style: chrX-47061562-T-C.
Other names: c.819T>C, p.Tyr273= (NM_153280.3).
Identifiers: ClinVar variation 511920 (VCV000511920.5), dbSNP rs782480767, ClinGen allele CA10395771.
Genomic context (GRCh38, chrX:47,202,163, plus strand): 5'-GTGGATTTTAGGGAGAATGGGTAGACTGACAGCTCTCTTCCTGCCCTCTGTAGGTCCTTA[T>C]ACCTTTAGCATCTGTGACACCTCCAACTTCTCCGACTACATCCGTGGAGGCATCGTCAGT-3'
Protein context (NP_003325.2, residues 263-283): QPMEIKVLGP[Tyr273=]TFSICDTSNF